The following is an entry in ClinVar:

NM_000059.4(BRCA2):c.2831A>G (p.Lys944Arg)

Gene: BRCA2 (BRCA2 DNA repair associated; plus strand). Cytogenetic location: 13q13.1.
Variant type: single nucleotide variant.
Coding change: c.2831A>G on transcript NM_000059.4 (MANE Select); coding-DNA position 2831, A replaced by G.
Protein change: p.Lys944Arg; replaces lysine 944 with arginine.
Molecular consequence: missense variant. On other transcripts: non-coding transcript variant (1), intron variant (2).
Genome position (GRCh38, 1-based): chr13:32,337,186, A>G. VCF-style: chr13-32337186-A-G. GRCh37 (hg19) VCF-style: chr13-32911323-A-G.
Other names: c.2831A>G, p.Lys944Arg (NM_001406719.1, NM_001406720.1, NM_001432077.1); c.1909+3799A>G (NM_001406721.1); c.424+6156A>G (NM_001406722.1); short protein forms K944R.
Identifiers: ClinVar variation 4802289 (VCV004802289.1).
Genomic context (GRCh38, chr13:32,337,186, plus strand): 5'-ACTCTACCATGGTTTTATATGGAGACACAGGTGATAAACAAGCAACCCAAGTGTCAATTA[A>G]AAAAGATTTGGTTTATGTTCTTGCAGAGGAGAACAAAAATAGTGTAAAGCAGCATATAAA-3'
Protein context (NP_000050.3, residues 934-954): GDKQATQVSI[Lys944Arg]KDLVYVLAEE

ClinVar aggregate classification (germline): Uncertain significance (1 of 4 stars; one submission).

Conditions:
Hereditary breast ovarian cancer syndrome. Also called: Hereditary breast and ovarian cancer syndrome (HBOC); Hereditary breast and ovarian cancer; Breast and ovarian cancer; Hereditary breast and/or ovarian cancer syndrome; BRCA1- and BRCA2-Associated Hereditary Breast and Ovarian Cancer; Hereditary breast and ovarian cancer syndrome. Identifiers: Orphanet 145, MedGen C0677776, MeSH D061325, MONDO:0003582. Disease mechanism: loss of function.

Submission:

Labcorp Genetics (formerly Invitae), Labcorp
Classification: Uncertain significance for Hereditary breast ovarian cancer syndrome. Last evaluated: 2025-04-07. Review status: criteria provided, single submitter. Criteria: Invitae Variant Classification Sherloc (09022015). Collection method: clinical testing. Allele origin: germline.
Comment: This sequence change replaces lysine, which is basic and polar, with arginine, which is basic and polar, at codon 944 of the BRCA2 protein (p.Lys944Arg). This variant is not present in population databases (gnomAD no frequency). This variant has not been reported in the literature in individuals affected with BRCA2-related conditions. Invitae Evidence Modeling of protein sequence and biophysical properties (such as structural, functional, and spatial information, amino acid conservation, physicochemical variation, residue mobility, and thermodynamic stability) indicates that this missense variant is not expected to disrupt BRCA2 protein function with a negative predictive value of 95%. In summary, the available evidence is currently insufficient to determine the role of this variant in disease. Therefore, it has been classified as a Variant of Uncertain Significance.